The following continues an entry in ClinVar:

NM_000363.5(TNNI3):c.557G>A (p.Arg186Gln)

Gene: TNNI3. ClinVar aggregate classification (germline): Pathogenic/Likely pathogenic. Pathogenic (13); Likely pathogenic (1).

Submissions 10 to 14 of 14:

Victorian Clinical Genetics Services, Murdoch Childrens Research Institute
Classification: Pathogenic for Hypertrophic cardiomyopathy 7. Last evaluated: 2022-06-24. Review status: criteria provided, single submitter. Criteria: ACMG Guidelines, 2015. Collection method: clinical testing. Allele origin: germline. Inheritance: Autosomal dominant inheritance. Affected: yes.
Comment: Based on the classification scheme VCGS_Germline_v1.3.4, this variant is classified as Pathogenic. Following criteria are met: 0103 - Gain of function and loss of function are reported mechanisms of disease in this gene. The former is associated with familial restrictive cardiomyopathy 1 (MIM#115210) and hypertrophic cardiomyopathy 7 (MIM#613690), while the latter is associated with dilated cardiomyopathy 1FF (MIM#613286) (PMIDs: 19914256, 21533915). (I) 0108 - This gene is associated with both recessive and dominant disease. The recessive form of inheritance is the exception and has only been reported in a small number of families (PMIDs: 15070570, 23270746). (I) 0112 - The condition associated with this gene has incomplete penetrance (PMID: 15607392). (I) 0115 - Variants in this gene are known to have variable expressivity (PMID: 23270746). (I) 0200 - Variant is predicted to result in a missense amino acid change from arginine to glutamine. (I) 0251 - This variant is heterozygous. (I) 0302 - Variant is present in gnomAD (v3) <0.001 for a dominant condition (1 heterozygote, 0 homozygotes). (SP) 0309 - An alternative amino acid change at the same position has been observed in gnomAD (v2) (4 heterozygotes, 0 homozygotes). (I) 0502 - Missense variant with conflicting in silico predictions and uninformative conservation. (I) 0602 - Variant is located in a hotspot region or cluster of pathogenic variants (DECIPHER). (SP) 0710 - Other missense variant comparable to the one identified in this case has inconclusive previous evidence for pathogenicity. p.(Arg186Trp) has been reported as likely pathogenic (ClinVar) and VUS (ClinVar, PMID: 35027292) in association with HCM and sudden death. p.(Arg186Gly) has been reported in a family with mixed morphologic features of HCM and left ventricular non-compaction (PMID: 28567093); however, we do not consider it comparable to inform pathogenicity because it has a major Grantham score. (I) 0801 - This variant has very strong previous evidence of pathogenicity in unrelated individuals. It has been reported in multiple individuals with HCM (ClinVar, PMIDs: 33567718, 33297573, 27532257) and segregated with incomplete penetrance in two families (PMID: 15607392). (SP) 1208 - Inheritance information for this variant is not currently available in this individual. (I) Legend: (SP) - Supporting pathogenic, (I) - Information, (SB) - Supporting benign

Human Genome Sequencing Center Clinical Lab, Baylor College of Medicine
Classification: Pathogenic for Familial hypertrophic cardiomyopathy 7. Last evaluated: 2019-01-17. Review status: criteria provided, single submitter. Criteria: ACMG Guidelines, 2015. Collection method: clinical testing. Allele origin: germline.
Comment: The c.557G>A (p.Arg186Gln) variant in the TNNI3 gene has been reported in multiple individuals with hypertrophic cardiomyopathy (PMID: 12707239, 15607392, 22301726, 23540544, 25524337, 25351510, 26169204, 27532257). This variant is not observed in gnomAD. This variant has been reported to co-segregate with HCM in multiple families with incomplete penetrance (PMID: 15607392, 23540544). This variant has also been reported in patients with HCM by other laboratories. The Arginine 186 is a moderately conserved residue, and multiple algorithms predicted the p.Arg186Gln change to be deleterious. Therefore, the c.557G>A (p.Arg186Gln) variant in the TNNI3 gene is classified as pathogenic.

Center for Human Genetics, University of Leuven
Classification: Pathogenic for Hypertrophic cardiomyopathy. Last evaluated: 2018-10-31. Review status: criteria provided, single submitter. Criteria: ACMG Guidelines, 2015. Collection method: clinical testing. Allele origin: germline. Affected: yes.

Laboratory for Molecular Medicine, Mass General Brigham Personalized Medicine
Classification: Pathogenic for Hypertrophic cardiomyopathy. Last evaluated: 2018-03-19. Review status: criteria provided, single submitter. Criteria: LMM Criteria. Collection method: clinical testing. Allele origin: germline. Inheritance: Autosomal dominant inheritance. Observed: 5 variant alleles.
Comment: The p.Arg186Gln variant in TNNI3 has been identified in at least 14 individuals with HCM, segregated with disease in 14 affected relatives from 4 families (Rich ard 2004, Mogensen 2004, Millat 2010, Fokstuen 2011, Zhu Hu 2012, Roberts 2013, Wang 2015, Walsh 2016, LMM data). It was absent from large population studies. I n summary, this variant meets our criteria to be classified as pathogenic for HC M in an autosomal dominant manner based upon case observations, segregation stud ies and absence from controls. ACMG/AMP Criteria applied: PS4; PP1_Strong; PM2; BP4.

Stanford Center for Inherited Cardiovascular Disease, Stanford University
Classification: Pathogenic. Last evaluated: 2011-03-01. Review status: criteria provided, single submitter. Criteria: ACMG Guidelines, 2015. Collection method: provider interpretation. Allele origin: germline.

Literature cited by the submitters: PubMed 12707239 (cited by 5 submitters); PubMed 15607392 (cited by 6 submitters); PubMed 20624503 (cited by 4 submitters); PubMed 23540544 (cited by 4 submitters); PubMed 25351510 (cited by Ambry Genetics); PubMed 26169204 (cited by 4 submitters); PubMed 21239446 (cited by 3 submitters); PubMed 25524337 (cited by 3 submitters); PubMed 27532257 (cited by 4 submitters); PubMed 28567093 (cited by 3billion and Victorian Clinical Genetics Services, Murdoch Childrens Research Institute); PubMed 33906374 (cited by Illumina Laboratory Services, Illumina); PubMed 22301726 (cited by Illumina Laboratory Services, Illumina and Laboratory for Molecular Medicine, Mass General Brigham Personalized Medicine); PubMed 35653365 (cited by Illumina Laboratory Services, Illumina); PubMed 15070570 (cited by Victorian Clinical Genetics Services, Murdoch Childrens Research Institute); PubMed 19914256 (cited by Victorian Clinical Genetics Services, Murdoch Childrens Research Institute); PubMed 21533915 (cited by Victorian Clinical Genetics Services, Murdoch Childrens Research Institute); PubMed 23270746 (cited by Victorian Clinical Genetics Services, Murdoch Childrens Research Institute); PubMed 33297573 (cited by Victorian Clinical Genetics Services, Murdoch Childrens Research Institute); PubMed 33567718 (cited by Victorian Clinical Genetics Services, Murdoch Childrens Research Institute); PubMed 35027292 (cited by Victorian Clinical Genetics Services, Murdoch Childrens Research Institute); PubMed 21310275 (cited by Laboratory for Molecular Medicine, Mass General Brigham Personalized Medicine); PubMed 16020591 (cited by Laboratory for Molecular Medicine, Mass General Brigham Personalized Medicine).